The following is an entry in ClinVar:

ClinVar aggregate classification (germline): Uncertain significance (1 of 4 stars; one submission).

Conditions:
Ataxia-telangiectasia syndrome (AT). Also called: Ataxia telangiectasia (A-T); Ataxia-telangiectasia, complementation group D; AT, COMPLEMENTATION GROUP C; ATAXIA-TELANGIECTASIA, COMPLEMENTATION GROUP A; Ataxia-telangiectasia, complementation group E; ATAXIA-TELANGIECTASIA, FRESNO VARIANT. Identifiers: Orphanet 100, MedGen C0004135, MONDO:0008840, OMIM 208900.

Submission:

Labcorp Genetics (formerly Invitae), Labcorp
Classification: Uncertain significance for Ataxia-telangiectasia syndrome. Last evaluated: 2018-04-16. Review status: criteria provided, single submitter. Criteria: Invitae Variant Classification Sherloc (09022015). Collection method: clinical testing. Allele origin: germline.
Comment: This variant has not been reported in the literature in individuals with ATM-related disease. This variant is not present in population databases (ExAC no frequency). This sequence change replaces valine with aspartic acid at codon 725 of the ATM protein (p.Val725Asp). The valine residue is highly conserved and there is a large physicochemical difference between valine and aspartic acid. Algorithms developed to predict the effect of missense changes on protein structure and function (SIFT, PolyPhen-2, Align-GVGD) all suggest that this variant is likely to be disruptive, but these predictions have not been confirmed by published functional studies and their clinical significance is uncertain. In summary, the available evidence is currently insufficient to determine the role of this variant in disease. Therefore, it has been classified as a Variant of Uncertain Significance.

NM_000051.4(ATM):c.2174T>A (p.Val725Asp)

Gene: ATM (ATM serine/threonine kinase; plus strand). Cytogenetic location: 11q22.3.
Variant type: single nucleotide variant.
Coding change: c.2174T>A on transcript NM_000051.4 (MANE Select); coding-DNA position 2174, T replaced by A.
Protein change: p.Val725Asp; replaces valine 725 with aspartic acid.
Molecular consequence: missense variant.
Genome position (GRCh38, 1-based): chr11:108,256,264, T>A. VCF-style: chr11-108256264-T-A. GRCh37 (hg19) VCF-style: chr11-108126991-T-A.
Other names: c.2174T>A, p.Val725Asp (NM_001351834.2); short protein forms V725D.
Identifiers: ClinVar variation 567934 (VCV000567934.8), dbSNP rs1565394761, ClinGen allele CA382538811.